The following is an entry in ClinVar:

ClinVar aggregate classification (germline): Uncertain significance. Review status: criteria provided, multiple submitters, no conflicts (2 of 4 stars). 2 submissions from 2 submitters: Uncertain significance (2). Last evaluated 2026-01-19.

Conditions:
Inborn genetic diseases. Identifiers: MedGen C0950123, MeSH D030342.

gnomAD v4.1: 29 of 1,614,070 alleles (0.0018%); highest among the groups gnomAD compares: African/African-American, 0.024%; no homozygotes.

Submissions (2):

Labcorp Genetics (formerly Invitae), Labcorp
Classification: Uncertain significance. Last evaluated: 2026-01-19. Review status: criteria provided, single submitter. Criteria: Invitae Variant Classification Sherloc (09022015). Collection method: clinical testing. Allele origin: germline.
Comment: This sequence change replaces asparagine, which is neutral and polar, with serine, which is neutral and polar, at codon 795 of the BNC2 protein (p.Asn795Ser). This variant is present in population databases (rs140164412, gnomAD 0.04%). This variant has not been reported in the literature in individuals affected with BNC2-related conditions. ClinVar contains an entry for this variant (Variation ID: 3628352). An algorithm developed to predict the effect of missense changes on protein structure and function (PolyPhen-2) suggests that this variant is likely to be disruptive. In summary, the available evidence is currently insufficient to determine the role of this variant in disease. Therefore, it has been classified as a Variant of Uncertain Significance.

Ambry Genetics
Classification: Uncertain significance for Inborn genetic diseases. Last evaluated: 2025-04-07. Review status: criteria provided, single submitter. Criteria: Ambry Variant Classification Scheme 2023. Collection method: clinical testing. Allele origin: germline.

NM_017637.6(BNC2):c.2384A>G (p.Asn795Ser)

Genes: BNC2 (basonuclin zinc finger protein 2; minus strand), LOC126860585 (MED14-independent group 3 enhancer GRCh37_chr9:16435259-16436458; plus strand). Cytogenetic location: 9p22.3.
Variant type: single nucleotide variant.
Coding change: c.2384A>G on transcript NM_017637.6 (MANE Select); coding-DNA position 2384, A replaced by G.
Protein change: p.Asn795Ser; replaces asparagine 795 with serine.
Molecular consequence: missense variant.
Genome position (GRCh38, 1-based): chr9:16,435,810, T>C on the plus strand (A>G on the coding strand, the complement: BNC2 is on the minus strand). VCF-style: chr9-16435810-T-C. GRCh37 (hg19) VCF-style: chr9-16435808-T-C.
Other names: c.2258A>G, p.Asn753Ser (NM_001317939.2); c.2099A>G, p.Asn700Ser (NM_001317940.2); short protein forms N700S, N753S, N795S.
Identifiers: ClinVar variation 3628352 (VCV003628352.3).